The following is an entry in ClinVar:

ClinVar aggregate classification (germline): Uncertain significance (1 of 4 stars; one submission).

Allele frequency attached by ClinVar (database versions not stated): gnomAD 0.00001; gnomAD exomes 0.00001; 1000 Genomes Project 30x 0.00016; 1000 Genomes Project 0.00020.
gnomAD v4.1: 17 of 1,556,398 alleles (0.0011%); highest among the groups gnomAD compares: African/African-American, 0.0041%; no homozygotes.

Submission:

Labcorp Genetics (formerly Invitae), Labcorp
Classification: Uncertain significance. Last evaluated: 2022-06-15. Review status: criteria provided, single submitter. Criteria: Invitae Variant Classification Sherloc (09022015). Collection method: clinical testing. Allele origin: germline.
Comment: In summary, the available evidence is currently insufficient to determine the role of this variant in disease. Therefore, it has been classified as a Variant of Uncertain Significance. Algorithms developed to predict the effect of missense changes on protein structure and function are either unavailable or do not agree on the potential impact of this missense change (SIFT: "Deleterious"; PolyPhen-2: "Probably Damaging"; Align-GVGD: "Class C0"). This variant has not been reported in the literature in individuals affected with SAMD11-related conditions. This variant is present in population databases (rs144245409, gnomAD 0.01%). This sequence change replaces arginine, which is basic and polar, with tryptophan, which is neutral and slightly polar, at codon 28 of the SAMD11 protein (p.Arg28Trp).

NM_001385641.1(SAMD11):c.619C>T (p.Arg207Trp)

Gene: SAMD11 (sterile alpha motif domain containing 11; plus strand). Cytogenetic location: 1p36.33.
Variant type: single nucleotide variant.
Coding change: c.619C>T on transcript NM_001385641.1 (MANE Select); coding-DNA position 619, C replaced by T.
Protein change: p.Arg207Trp; replaces arginine 207 with tryptophan.
Molecular consequence: missense variant.
Genome position (GRCh38, 1-based): chr1:930,164, C>T. VCF-style: chr1-930164-C-T. GRCh37 (hg19) VCF-style: chr1-865544-C-T.
Other names: c.619C>T, p.Arg207Trp (NM_001385640.1); c.82C>T, p.Arg28Trp (NM_152486.4); short protein forms R207W, R28W.
Identifiers: ClinVar variation 1923853 (VCV001923853.4), dbSNP rs144245409, ClinGen allele CA16706941.